The following is an entry in ClinVar:

NM_014384.3(ACAD8):c.386G>A (p.Cys129Tyr)

Gene: ACAD8 (acyl-CoA dehydrogenase family member 8; plus strand). Cytogenetic location: 11q25.
Variant type: single nucleotide variant.
Coding change: c.386G>A on transcript NM_014384.3 (MANE Select); coding-DNA position 386, G replaced by A.
Protein change: p.Cys129Tyr; replaces cysteine 129 with tyrosine.
Molecular consequence: missense variant.
Genome position (GRCh38, 1-based): chr11:134,258,520, G>A. VCF-style: chr11-134258520-G-A. GRCh37 (hg19) VCF-style: chr11-134128414-G-A.
Other names: short protein forms C129Y.
Identifiers: ClinVar variation 424140 (VCV000424140.2), dbSNP rs778203609, ClinGen allele CA6372933.
Genomic context (GRCh38, chr11:134,258,520, plus strand): 5'-TTTCTTTTCCATCTTTATTTCTGTCATTGTCTTTTCTTCTTGGTGTACCTATCAGCATGT[G>A]TGCCTGGATGATTGATAGCTTCGGAAATGAGGAACAGAGGCACAAATTTTGCCCACCGCT-3'
Protein context (NP_055199.1, residues 119-139): TTAYISIHNM[Cys129Tyr]AWMIDSFGNE

ClinVar aggregate classification (germline): Likely pathogenic (1 of 4 stars; one submission).

Allele frequency attached by ClinVar (database versions not stated): ExAC 0.00001; gnomAD exomes below 0.00001.

Submission:

GeneDx
Classification: Likely pathogenic. Last evaluated: 2017-03-09. Review status: criteria provided, single submitter. Criteria: GeneDx Variant Classification (06012015). Collection method: clinical testing. Allele origin: germline. Affected: yes.
Comment: The C129Y variant has not been published as a pathogenic variant, nor has it been reported as a benign variant to our knowledge. The C129Y variant is not observed in large population cohorts (Lek et al., 2016; 1000 Genomes Consortium et al., 2015; Exome Variant Server). This substitution occurs at a position that is conserved across species. In silico analysis predicts this variant is probably damaging to the protein structure/function. Missense variants in nearby residues (M128I and D134Y) are predicted to be likely pathogenic, supporting the functional importance of this region of the protein. In summary, we interpret this variant as likely pathogenic; however, the possibility that it is benign cannot be excluded.